The following is an entry in ClinVar:

NM_002582.4(PARN):c.122C>T (p.Ser41Phe)

Gene: PARN (poly(A)-specific ribonuclease; minus strand). Cytogenetic location: 16p13.12.
Variant type: single nucleotide variant.
Coding change: c.122C>T on transcript NM_002582.4 (MANE Select); coding-DNA position 122, C replaced by T.
Protein change: p.Ser41Phe; replaces serine 41 with phenylalanine.
Molecular consequence: missense variant. On other transcripts: 5 prime UTR variant (1).
Genome position (GRCh38, 1-based): chr16:14,628,227, G>A on the plus strand (C>T on the coding strand, the complement: PARN is on the minus strand). VCF-style: chr16-14628227-G-A. GRCh37 (hg19) VCF-style: chr16-14722084-G-A.
Other names: c.-62C>T (NM_001134477.3); c.122C>T, p.Ser41Phe (NM_001242992.2); short protein forms S41F.
Identifiers: ClinVar variation 1448859 (VCV001448859.12), dbSNP rs1433689115, ClinGen allele CA394817057.
Genomic context (GRCh38, chr16:14,628,227, plus strand): 5'-CTTGCCTTTTTAAGCTTCTGATACCTCTCTTCTGGAGTGTCAAAACCATTTGTTAATGCA[G>A]AGACTGAAGGTCCATCACTGATTCCTAGATTTTAAGAAATAAAAATTTTTAGCTTACTAA-3'
Protein context (NP_002573.1, residues 31-51): FSGISDGPSV[Ser41Phe]ALTNGFDTPE

ClinVar aggregate classification (germline): Uncertain significance (1 of 4 stars; one submission).

Conditions:
Dyskeratosis congenita, autosomal recessive 6 (DKCB6). Identifiers: MedGen C4225356, MONDO:0014600, OMIM 616353.
Pulmonary fibrosis and/or bone marrow failure, Telomere-related, 4. Also called: PULMONARY FIBROSIS AND/OR BONE MARROW FAILURE SYNDROME, TELOMERE-RELATED, 4. Identifiers: Orphanet 2032, MedGen C4225347, MONDO:0014612, OMIM 616371.

Submission:

Labcorp Genetics (formerly Invitae), Labcorp
Classification: Uncertain significance for Dyskeratosis congenita, autosomal recessive 6; Pulmonary fibrosis and/or bone marrow failure, Telomere-related, 4. Last evaluated: 2020-12-24. Review status: criteria provided, single submitter. Criteria: Invitae Variant Classification Sherloc (09022015). Collection method: clinical testing. Allele origin: germline.
Comment: This variant has not been reported in the literature in individuals with PARN-related conditions. In summary, the available evidence is currently insufficient to determine the role of this variant in disease. Therefore, it has been classified as a Variant of Uncertain Significance. Algorithms developed to predict the effect of missense changes on protein structure and function are either unavailable or do not agree on the potential impact of this missense change (SIFT: "Deleterious"; PolyPhen-2: "Benign"; Align-GVGD: "Class C0"). This variant is not present in population databases (ExAC no frequency). This sequence change replaces serine with phenylalanine at codon 41 of the PARN protein (p.Ser41Phe). The serine residue is moderately conserved and there is a large physicochemical difference between serine and phenylalanine.